The following is an entry in ClinVar:

NM_004046.6(ATP5F1A):c.691C>T (p.Arg231Cys)

Gene: ATP5F1A (ATP synthase F1 subunit alpha; minus strand). Cytogenetic location: 18q21.1.
Variant type: single nucleotide variant.
Coding change: c.691C>T on transcript NM_004046.6 (MANE Select); coding-DNA position 691, C replaced by T.
Protein change: p.Arg231Cys; replaces arginine 231 with cysteine.
Molecular consequence: missense variant.
Genome position (GRCh38, 1-based): chr18:46,088,217, G>A on the plus strand (C>T on the coding strand, the complement: ATP5F1A is on the minus strand). VCF-style: chr18-46088217-G-A. GRCh37 (hg19) VCF-style: chr18-43668183-G-A.
Other names: c.541C>T, p.Arg181Cys (NM_001001935.3, NM_001257335.2); c.691C>T, p.Arg231Cys (NM_001001937.2); c.625C>T, p.Arg209Cys (NM_001257334.2); short protein forms R209C, R231C, R181C.
Identifiers: ClinVar variation 1977315 (VCV001977315.5), dbSNP rs993469123, ClinGen allele CA299749580.
Genomic context (GRCh38, chr18:46,088,217, plus strand): 5'-GACCAATAGCAACATAAATACAGTACAGCTTCTTCTTTTCATCAGATCCATCATTGAAAC[G>A]TTTCTGGTTAATGATTGTGTCAATAGCAATTGAGGTTTTCCTTTAAAAAGAGAAAGTAAA-3'
Protein context (NP_004037.1, residues 221-241): IAIDTIINQK[Arg231Cys]FNDGSDEKKK

ClinVar aggregate classification (germline): Uncertain significance (1 of 4 stars; one submission).

Allele frequency attached by ClinVar (database versions not stated): gnomAD 0.00001; gnomAD exomes 0.00001.
gnomAD v4.1: 6 of 1,596,844 alleles (0.00038%); highest among the groups gnomAD compares: African/African-American, 0.0014%; no homozygotes.

Submission:

Labcorp Genetics (formerly Invitae), Labcorp
Classification: Uncertain significance. Last evaluated: 2022-08-03. Review status: criteria provided, single submitter. Criteria: Invitae Variant Classification Sherloc (09022015). Collection method: clinical testing. Allele origin: germline.
Comment: This variant has not been reported in the literature in individuals affected with ATP5A1-related conditions. This variant is present in population databases (no rsID available, gnomAD 0.004%). This sequence change replaces arginine, which is basic and polar, with cysteine, which is neutral and slightly polar, at codon 231 of the ATP5A1 protein (p.Arg231Cys). Algorithms developed to predict the effect of missense changes on protein structure and function are either unavailable or do not agree on the potential impact of this missense change (SIFT: "Deleterious"; PolyPhen-2: "Probably Damaging"; Align-GVGD: "Class C0"). In summary, the available evidence is currently insufficient to determine the role of this variant in disease. Therefore, it has been classified as a Variant of Uncertain Significance.